The following is an entry in ClinVar:

ClinVar aggregate classification (germline): Likely benign (1 of 4 stars; one submission).

Allele frequency attached by ClinVar (database versions not stated): 1000 Genomes Project 30x 0.00047; gnomAD 0.00261; gnomAD exomes 0.00329.

Submission:

CeGaT Center for Human Genetics Tuebingen
Classification: Likely benign. Last evaluated: 2022-08-01. Review status: criteria provided, single submitter. Criteria: CeGaT Center For Human Genetics Tuebingen Variant Classification Criteria Version 2. Collection method: clinical testing. Allele origin: germline. Affected: yes. Observed: 1 variant allele.
Comment: TMEM200B: BP4, BP7

NM_001003682.4(TMEM200B):c.111C>G (p.Pro37=)

Gene: TMEM200B (transmembrane protein 200B; minus strand). Cytogenetic location: 1p35.3.
Variant type: single nucleotide variant.
Coding change: c.111C>G on transcript NM_001003682.4 (MANE Select); coding-DNA position 111, C replaced by G.
Protein change: p.Pro37=; no amino-acid change (proline 37 retained).
Molecular consequence: synonymous variant.
Genome position (GRCh38, 1-based): chr1:29,121,718, G>C on the plus strand (C>G on the coding strand, the complement: TMEM200B is on the minus strand). VCF-style: chr1-29121718-G-C. GRCh37 (hg19) VCF-style: chr1-29448230-G-C.
Other names: c.111C>G, p.Pro37= (NM_001171868.2).
Identifiers: ClinVar variation 2638585 (VCV002638585.24), dbSNP rs745909488, ClinGen allele CA725043.